The following is an entry in ClinVar:

NM_012233.3(RAB3GAP1):c.1440_1441del (p.Trp481fs)

Gene: RAB3GAP1 (RAB3 GTPase activating protein catalytic subunit 1; plus strand). Cytogenetic location: 2q21.3.
Variant type: Microsatellite.
Coding change: c.1440_1441del on transcript NM_012233.3 (MANE Select); coding-DNA positions 1440 to 1441, 2 bases deleted (CT; older notation c.1440_1441delCT).
Protein change: p.Trp481fs; shifts the reading frame from tryptophan 481.
Molecular consequence: frameshift variant.
Genome position (GRCh38, 1-based): chr2:135,133,974-135,133,975, CT deleted; deleting any 2 consecutive bases within chr2:135,133,972-135,133,975 gives the same sequence; the c. name uses the placement nearest the transcript's 3' end. VCF-style (leftmost placement, unchanged base first): chr2-135133971-CCT-C. GRCh37 (hg19) VCF-style: chr2-135891541-CCT-C.
Other names: c.1440_1441del, p.Trp481fs (NM_001172435.2); short protein forms W481fs.
Identifiers: ClinVar variation 2444049 (VCV002444049.1), dbSNP rs2468221175, ClinGen allele CA2580611690.

ClinVar aggregate classification (germline): Pathogenic (1 of 4 stars; one submission).

Conditions:
Warburg micro syndrome 1 (WARBM1). Identifiers: Orphanet 2510, MedGen C1838625, MONDO:0010822, OMIM 600118.

Submission:

3billion
Classification: Pathogenic for Warburg micro syndrome 1. Last evaluated: 2023-02-23. Review status: criteria provided, single submitter. Criteria: ACMG Guidelines, 2015. Collection method: clinical testing. Allele origin: unknown. Affected: yes.
Comment: The variant is not observed in the gnomAD v2.1.1 dataset. This variant was predicted to result in a loss or disruption of normal protein function through nonsense-mediated decay (NMD) or protein truncation. Multiple pathogenic variants are reported downstream of the variant. Therefore, this variant is classified as Pathogenic according to the recommendation of ACMG/AMP guideline.